The following is an entry in ClinVar:

ClinVar aggregate classification (germline): Pathogenic. Review status: criteria provided, multiple submitters, no conflicts (2 of 4 stars). 3 submissions from 3 submitters: Pathogenic (3). Last evaluated 2024-10-08.

Conditions:
Hereditary breast ovarian cancer syndrome. Also called: BRCA1- and BRCA2-Associated Hereditary Breast and Ovarian Cancer; Hereditary breast and ovarian cancer syndrome; Hereditary breast and ovarian cancer; Hereditary breast and ovarian cancer syndrome (HBOC); Breast and ovarian cancer; Hereditary breast and/or ovarian cancer syndrome. Identifiers: Orphanet 145, MedGen C0677776, MeSH D061325, MONDO:0003582. Disease mechanism: loss of function.
Hereditary cancer-predisposing syndrome. Also called: Neoplastic Syndromes, Hereditary; Tumor predisposition; Hereditary Cancer Syndrome; Hereditary neoplastic syndrome. Identifiers: Orphanet 140162, MedGen C0027672, MeSH D009386, MONDO:0015356.

Submissions (3):

Ambry Genetics
Classification: Pathogenic for Hereditary cancer-predisposing syndrome. Last evaluated: 2024-10-08. Review status: criteria provided, single submitter. Criteria: Ambry Variant Classification Scheme 2023. Collection method: clinical testing. Allele origin: germline.
Comment: The c.692dupG pathogenic mutation, located in coding exon 8 of the BRCA2 gene, results from a duplication of G at nucleotide position 692, causing a translational frameshift with a predicted alternate stop codon (p.S231Rfs*7). This variant is considered to be rare based on population cohorts in the Genome Aggregation Database (gnomAD). This alteration is expected to result in loss of function by premature protein truncation or nonsense-mediated mRNA decay. As such, this alteration is interpreted as a disease-causing mutation.

Color Diagnostics, LLC DBA Color Health
Classification: Pathogenic for Hereditary cancer-predisposing syndrome. Last evaluated: 2020-01-15. Review status: criteria provided, single submitter. Criteria: ACMG Guidelines, 2015. Collection method: clinical testing. Allele origin: germline.
Comment: This variant inserts 1 nucleotide in exon 9 of the BRCA2 gene, creating a frameshift and premature translation stop signal. This variant is expected to result in an absent or non-functional protein product. This variant has not been identified in the general population by the Genome Aggregation Database (gnomAD). Loss of BRCA2 function is a known mechanism of disease. Based on the available evidence, this variant is classified as Pathogenic.

Labcorp Genetics (formerly Invitae), Labcorp
Classification: Pathogenic for Hereditary breast ovarian cancer syndrome. Last evaluated: 2019-07-21. Review status: criteria provided, single submitter. Criteria: Invitae Variant Classification Sherloc (09022015). Collection method: clinical testing. Allele origin: germline.
Comment: For these reasons, this variant has been classified as Pathogenic. Loss-of-function variants in BRCA2 are known to be pathogenic (PMID: 20104584). This variant has not been reported in the literature in individuals with BRCA2-related conditions. This variant is not present in population databases (ExAC no frequency). This sequence change creates a premature translational stop signal (p.Ser231Argfs*7) in the BRCA2 gene. It is expected to result in an absent or disrupted protein product.

Literature cited by the submitters: PubMed 20104584 (cited by Labcorp Genetics (formerly Invitae), Labcorp).

NM_000059.4(BRCA2):c.692dup (p.Ser231fs)

Gene: BRCA2 (BRCA2 DNA repair associated; plus strand). Cytogenetic location: 13q13.1.
Variant type: Duplication.
Coding change: c.692dup on transcript NM_000059.4 (MANE Select); coding-DNA position 692, one base duplicated (G; older notation c.692dupG).
Protein change: p.Ser231fs; shifts the reading frame from serine 231.
Molecular consequence: frameshift variant.
Genome position (GRCh38, 1-based): chr13:32,330,929, G duplicated. VCF-style (leftmost placement, unchanged base first): chr13-32330928-A-AG. GRCh37 (hg19) VCF-style: chr13-32905065-A-AG.
Other names: c.692dupG (NM_000059.3); short protein forms S231fs.
Identifiers: ClinVar variation 920861 (VCV000920861.12), dbSNP rs2072384782, ClinGen allele CA913188574.
Genomic context (GRCh38, chr13:32,330,928, plus strand): 5'-ATGTGCATTGAGAGTTTTTATACTAGTGATTTTAAACTATAATTTTTGCAGAATGTGAAA[A>AG]GCTATTTTTCCAATCATGATGAAAGTCTGAAGAAAAATGATAGATTTATCGCTTCTGTGA-3'